The following is an entry in ClinVar:

ClinVar aggregate classification (germline): Uncertain significance. Review status: criteria provided, multiple submitters, no conflicts (2 of 4 stars). 5 submissions from 5 submitters: Uncertain significance (5). Last evaluated 2025-12-19.

Conditions:
PLEC-related disorder. Also called: PLEC-related condition; PLEC-related disorders.
Inborn genetic diseases. Identifiers: MedGen C0950123, MeSH D030342.
Epidermolysis bullosa simplex, Ogna type (EBS5A). Also called: EPIDERMOLYSIS BULLOSA SIMPLEX 5A, OGNA TYPE; Pidermolysis bullosa simplex 5A, Ogna type. Identifiers: Orphanet 79401, MedGen C0432317, MONDO:0007555, OMIM 131950.
Autosomal recessive limb-girdle muscular dystrophy type 2Q (LGMDR17). Also called: MUSCULAR DYSTROPHY, LIMB-GIRDLE, AUTOSOMAL RECESSIVE 17. Identifiers: Orphanet 254361, MedGen C3150989, MONDO:0013390, OMIM 613723.
Epidermolysis bullosa simplex 5B, with muscular dystrophy (EBS5B). Also called: EPIDERMOLYSIS BULLOSA SIMPLEX AND LIMB-GIRDLE MUSCULAR DYSTROPHY; Epidermolysis bullosa simplex with muscular dystrophy. Identifiers: Orphanet 257, MedGen C2931072, MONDO:0009181, OMIM 226670.
Epidermolysis bullosa simplex with nail dystrophy (EBS5D). Identifiers: MedGen C4225309, MONDO:0014661, OMIM 616487.
Epidermolysis bullosa simplex 5C, with pyloric atresia (EBS5C). Also called: PLEC-Related Epidermolysis Bullosa with Pyloric Atresia; Epidermolysis bullosa simplex with pyloric atresia; PLEC1-Related Epidermolysis Bullosa with Pyloric Atresia. Identifiers: Orphanet 158684, MedGen C2677349, MONDO:0012807, OMIM 612138.

Allele frequency attached by ClinVar (database versions not stated): ExAC 0.00008; ESP Exome Variant Server 0.00008; gnomAD exomes 0.00008 and 0.00009; gnomAD 0.00016 and 0.00017; 1000 Genomes Project 0.00020; TOPMed 0.00021; 1000 Genomes Project 30x 0.00031.
gnomAD v4.1: 155 of 1,613,640 alleles (0.0096%); highest among the groups gnomAD compares: Admixed American, 0.035%; no homozygotes.

Submissions (5):

PreventionGenetics, part of Exact Sciences
Classification: Uncertain significance for PLEC-related condition. Last evaluated: 2025-12-19. Review status: criteria provided, single submitter. Criteria: ACMG Guidelines, 2015. Collection method: clinical testing. Allele origin: germline.
Comment: The PLEC c.8549G>A variant is predicted to result in the amino acid substitution p.Arg2850His. To our knowledge, this variant has not been reported in the literature. This variant is reported in 0.020% of alleles in individuals of Latino descent in gnomAD. At this time, the clinical significance of this variant is uncertain due to the absence of conclusive functional and genetic evidence.

Labcorp Genetics (formerly Invitae), Labcorp
Classification: Uncertain significance for Autosomal recessive limb-girdle muscular dystrophy type 2Q; Epidermolysis bullosa simplex, Ogna type; Epidermolysis bullosa simplex with nail dystrophy; Epidermolysis bullosa simplex 5C, with pyloric atresia; Epidermolysis bullosa simplex 5B, with muscular dystrophy. Last evaluated: 2025-05-23. Review status: criteria provided, single submitter. Criteria: Invitae Variant Classification Sherloc (09022015). Collection method: clinical testing. Allele origin: germline.
Comment: This sequence change replaces arginine, which is basic and polar, with histidine, which is basic and polar, at codon 2850 of the PLEC protein (p.Arg2850His). This variant is present in population databases (rs376887979, gnomAD 0.02%). This variant has not been reported in the literature in individuals affected with PLEC-related conditions. ClinVar contains an entry for this variant (Variation ID: 659545). Invitae Evidence Modeling of protein sequence and biophysical properties (such as structural, functional, and spatial information, amino acid conservation, physicochemical variation, residue mobility, and thermodynamic stability) indicates that this missense variant is not expected to disrupt PLEC protein function with a negative predictive value of 80%. In summary, the available evidence is currently insufficient to determine the role of this variant in disease. Therefore, it has been classified as a Variant of Uncertain Significance.

Ambry Genetics
Classification: Uncertain significance for Inborn genetic diseases. Last evaluated: 2023-07-19. Review status: criteria provided, single submitter. Criteria: Ambry Variant Classification Scheme 2023. Collection method: clinical testing. Allele origin: germline.

Revvity Omics, Revvity
Classification: Uncertain significance. Last evaluated: 2022-03-09. Review status: criteria provided, single submitter. Criteria: ACMG Guidelines, 2015. Collection method: clinical testing. Allele origin: germline.

Baylor Genetics
Classification: Uncertain significance for Epidermolysis bullosa simplex, Ogna type. Last evaluated: 2021-06-13. Review status: criteria provided, single submitter. Criteria: ACMG Guidelines, 2015. Collection method: clinical testing. Allele origin: unknown.

NM_201384.3(PLEC):c.8468G>A (p.Arg2823His)

Gene: PLEC (plectin; minus strand). Cytogenetic location: 8q24.3.
Variant type: single nucleotide variant.
Coding change: c.8468G>A on transcript NM_201384.3 (MANE Select); coding-DNA position 8468, G replaced by A.
Protein change: p.Arg2823His; replaces arginine 2823 with histidine.
Molecular consequence: missense variant.
Genome position (GRCh38, 1-based): chr8:143,921,353, C>T on the plus strand (G>A on the coding strand, the complement: PLEC is on the minus strand). VCF-style: chr8-143921353-C-T. GRCh37 (hg19) VCF-style: chr8-144995521-C-T.
Other names: c.8549G>A (NM_000445.3); c.8549G>A, p.Arg2850His (NM_000445.5); c.8426G>A, p.Arg2809His (NM_201378.4); c.8402G>A, p.Arg2801His (NM_201379.3); c.8879G>A, p.Arg2960His (NM_201380.4); c.8372G>A, p.Arg2791His (NM_201381.3); c.8468G>A, p.Arg2823His (NM_201382.4); c.8480G>A, p.Arg2827His (NM_201383.3); short protein forms R2791H, R2850H, R2823H, R2827H, R2809H, R2801H, R2960H.
Identifiers: ClinVar variation 659545 (VCV000659545.11), dbSNP rs376887979, ClinGen allele CA4925301.